The following is an entry in ClinVar:

NM_020822.3(KCNT1):c.1033C>A (p.Gln345Lys)

Gene: KCNT1 (potassium sodium-activated channel subfamily T member 1; plus strand). Cytogenetic location: 9q34.3.
Variant type: single nucleotide variant.
Coding change: c.1033C>A on transcript NM_020822.3 (MANE Select); coding-DNA position 1033, C replaced by A.
Protein change: p.Gln345Lys; replaces glutamine 345 with lysine.
Molecular consequence: missense variant.
Genome position (GRCh38, 1-based): chr9:135,759,857, C>A. VCF-style: chr9-135759857-C-A. GRCh37 (hg19) VCF-style: chr9-138651703-C-A.
Other names: c.898C>A, p.Gln300Lys (NM_001272003.2); short protein forms Q345K, Q300K.
Identifiers: ClinVar variation 429538 (VCV000429538.4), dbSNP rs1131691442, ClinGen allele CA375498728.

ClinVar aggregate classification (germline): Uncertain significance (1 of 4 stars; one submission).

Submission:

GeneDx
Classification: Uncertain significance. Last evaluated: 2019-09-17. Review status: criteria provided, single submitter. Criteria: GeneDx Variant Classification Process June 2021. Collection method: clinical testing. Allele origin: germline. Affected: yes.
Comment: Not observed in large population cohorts (Lek et al., 2016); In silico analysis, which includes protein predictors and evolutionary conservation, supports a deleterious effect; Has not been previously published as pathogenic or benign to our knowledge